The following is an entry in ClinVar:

ClinVar aggregate classification (germline): Uncertain significance (1 of 4 stars; one submission).

Conditions:
Duchenne muscular dystrophy (DMD). Also called: MUSCULAR DYSTROPHY, PSEUDOHYPERTROPHIC PROGRESSIVE, DUCHENNE TYPE; Duchenne Muscular Dystrophy (DMD). Identifiers: Orphanet 98896, MedGen C0013264, MONDO:0010679, OMIM 310200.

gnomAD v4.1: 1 of 1,204,973 alleles (0.000083%); highest among the groups gnomAD compares: East Asian, 0.003%; no homozygotes.

Submission:

Labcorp Genetics (formerly Invitae), Labcorp
Classification: Uncertain significance for Duchenne muscular dystrophy. Last evaluated: 2023-11-27. Review status: criteria provided, single submitter. Criteria: Invitae Variant Classification Sherloc (09022015). Collection method: clinical testing. Allele origin: germline.
Comment: This sequence change replaces valine, which is neutral and non-polar, with alanine, which is neutral and non-polar, at codon 517 of the DMD protein (p.Val517Ala). This variant is not present in population databases (gnomAD no frequency). This variant has not been reported in the literature in individuals affected with DMD-related conditions. ClinVar contains an entry for this variant (Variation ID: 1356182). Advanced modeling of protein sequence and biophysical properties (such as structural, functional, and spatial information, amino acid conservation, physicochemical variation, residue mobility, and thermodynamic stability) performed at Invitae indicates that this missense variant is not expected to disrupt DMD protein function with a negative predictive value of 95%. In summary, the available evidence is currently insufficient to determine the role of this variant in disease. Therefore, it has been classified as a Variant of Uncertain Significance.

NM_004006.3(DMD):c.1550T>C (p.Val517Ala)

Gene: DMD (dystrophin; minus strand). Cytogenetic location: Xp21.1.
Variant type: single nucleotide variant.
Coding change: c.1550T>C on transcript NM_004006.3 (MANE Select); coding-DNA position 1550, T replaced by C.
Protein change: p.Val517Ala; replaces valine 517 with alanine.
Molecular consequence: missense variant.
Genome position (GRCh38, 1-based): chrX:32,595,809, A>G on the plus strand (T>C on the coding strand, the complement: DMD is on the minus strand). VCF-style: chrX-32595809-A-G. GRCh37 (hg19) VCF-style: chrX-32613926-A-G.
Other names: c.1526T>C, p.Val509Ala (NM_000109.4); c.1538T>C, p.Val513Ala (NM_004009.3); c.1181T>C, p.Val394Ala (NM_004010.3); short protein forms V513A, V394A, V509A, V517A.
Identifiers: ClinVar variation 1356182 (VCV001356182.6), dbSNP rs2149264721, ClinGen allele CA412665445.
Genomic context (GRCh38, chrX:32,595,809, plus strand): 5'-AATCTGACCTTAAGTTGTTCTTCCAAAGCAGCAGTTGCGTGATCTCCACTAGATTCATCA[A>G]CTACCACCACCATGTGAGTGAGAGAATTGACCCTGACTTGTTCTTGTTCTAGATCTTCTT-3'
Protein context (NP_003997.2, residues 507-527): VNSLTHMVVV[Val517Ala]DESSGDHATA